The following is an entry in ClinVar:

ClinVar aggregate classification (germline): Uncertain significance. Review status: criteria provided, multiple submitters, no conflicts (2 of 4 stars). 2 submissions from 2 submitters: Uncertain significance (2). Last evaluated 2022-07-19.

Conditions:
Retinitis pigmentosa 80 (RP80). Identifiers: MedGen C4540439, MONDO:0054708, OMIM 617781.
Saldino-Mainzer syndrome (SRTD9). Also called: Renal dysplasia, retinal pigmentary dystrophy, cerebellar ataxia and skeletal dysplasia; CONORENAL SYNDROME; SHORT-RIB THORACIC DYSPLASIA 9 WITHOUT POLYDACTYLY; short-rib thoracic dysplasia 9 with or without polydactyly. Identifiers: Orphanet 140969, MedGen C1849437, MONDO:0009964, OMIM 266920.

Allele frequency attached by ClinVar (database versions not stated): ExAC 0.00007; ESP Exome Variant Server 0.00008; gnomAD 0.00002; TOPMed 0.00002; gnomAD exomes 0.00003.
gnomAD v4.1: 12 of 1,579,760 alleles (0.00076%); highest among the groups gnomAD compares: South Asian, 0.0058%; no homozygotes.

Submissions (2):

Labcorp Genetics (formerly Invitae), Labcorp
Classification: Uncertain significance for Saldino-Mainzer syndrome. Last evaluated: 2022-07-19. Review status: criteria provided, single submitter. Criteria: Invitae Variant Classification Sherloc (09022015). Collection method: clinical testing. Allele origin: germline.
Comment: In summary, the available evidence is currently insufficient to determine the role of this variant in disease. Therefore, it has been classified as a Variant of Uncertain Significance. Algorithms developed to predict the effect of missense changes on protein structure and function are either unavailable or do not agree on the potential impact of this missense change (SIFT: "Deleterious"; PolyPhen-2: "Probably Damaging"; Align-GVGD: "Class C0"). ClinVar contains an entry for this variant (Variation ID: 1489160). This variant has not been reported in the literature in individuals affected with IFT140-related conditions. This variant is present in population databases (rs374245105, gnomAD 0.01%). This sequence change replaces arginine, which is basic and polar, with histidine, which is basic and polar, at codon 901 of the IFT140 protein (p.Arg901His).

Fulgent Genetics
Classification: Uncertain significance for Saldino-Mainzer syndrome; Retinitis pigmentosa 80. Last evaluated: 2021-12-20. Review status: criteria provided, single submitter. Criteria: ACMG Guidelines, 2015. Collection method: clinical testing. Allele origin: unknown.

NM_014714.4(IFT140):c.2702G>A (p.Arg901His)

Gene: IFT140 (intraflagellar transport 140; minus strand). Cytogenetic location: 16p13.3.
Variant type: single nucleotide variant.
Coding change: c.2702G>A on transcript NM_014714.4 (MANE Select); coding-DNA position 2702, G replaced by A.
Protein change: p.Arg901His; replaces arginine 901 with histidine.
Molecular consequence: missense variant.
Genome position (GRCh38, 1-based): chr16:1,525,953, C>T on the plus strand (G>A on the coding strand, the complement: IFT140 is on the minus strand). VCF-style: chr16-1525953-C-T. GRCh37 (hg19) VCF-style: chr16-1575954-C-T.
Other names: short protein forms R901H.
Identifiers: ClinVar variation 1489160 (VCV001489160.5), dbSNP rs374245105, ClinGen allele CA7813524.